The following is an entry in ClinVar:

ClinVar aggregate classification (germline): Uncertain significance. Review status: criteria provided, multiple submitters, no conflicts (2 of 4 stars). 2 submissions from 2 submitters: Uncertain significance (2). Last evaluated 2025-08-13.

Conditions:
Mosaic variegated aneuploidy syndrome 2 (MVA2). Identifiers: Orphanet 1052, MedGen C3279843, MONDO:0013582, OMIM 614114.
Inborn genetic diseases. Identifiers: MedGen C0950123, MeSH D030342.

Allele frequency attached by ClinVar (database versions not stated): gnomAD exomes below 0.00001.
gnomAD v4.1: 4 of 1,613,944 alleles (0.00025%); highest among the groups gnomAD compares: Non-Finnish European, 0.00034%; no homozygotes.

Submissions (2):

Labcorp Genetics (formerly Invitae), Labcorp
Classification: Uncertain significance for Mosaic variegated aneuploidy syndrome 2. Last evaluated: 2025-08-13. Review status: criteria provided, single submitter. Criteria: Invitae Variant Classification Sherloc (09022015). Collection method: clinical testing. Allele origin: germline.
Comment: This sequence change replaces glutamic acid, which is acidic and polar, with lysine, which is basic and polar, at codon 187 of the CEP57 protein (p.Glu187Lys). This variant is not present in population databases (gnomAD no frequency). This variant has not been reported in the literature in individuals affected with CEP57-related conditions. ClinVar contains an entry for this variant (Variation ID: 945925). Invitae Evidence Modeling of protein sequence and biophysical properties (such as structural, functional, and spatial information, amino acid conservation, physicochemical variation, residue mobility, and thermodynamic stability) indicates that this missense variant is not expected to disrupt CEP57 protein function with a negative predictive value of 80%. In summary, the available evidence is currently insufficient to determine the role of this variant in disease. Therefore, it has been classified as a Variant of Uncertain Significance.

Ambry Genetics
Classification: Uncertain significance for Inborn genetic diseases. Last evaluated: 2024-11-26. Review status: criteria provided, single submitter. Criteria: Ambry Variant Classification Scheme 2023. Collection method: clinical testing. Allele origin: germline.
Comment: The p.E187K variant (also known as c.559G>A), located in coding exon 5 of the CEP57 gene, results from a G to A substitution at nucleotide position 559. The glutamic acid at codon 187 is replaced by lysine, an amino acid with similar properties. This amino acid position is conserved. In addition, the in silico prediction for this alteration is inconclusive. Based on the available evidence, the clinical significance of this variant remains unclear.

NM_014679.5(CEP57):c.559G>A (p.Glu187Lys)

Gene: CEP57 (centrosomal protein 57; plus strand). Cytogenetic location: 11q21.
Variant type: single nucleotide variant.
Coding change: c.559G>A on transcript NM_014679.5 (MANE Select); coding-DNA position 559, G replaced by A.
Protein change: p.Glu187Lys; replaces glutamic acid 187 with lysine.
Molecular consequence: missense variant.
Genome position (GRCh38, 1-based): chr11:95,817,841, G>A. VCF-style: chr11-95817841-G-A. GRCh37 (hg19) VCF-style: chr11-95551005-G-A.
Other names: c.532G>A, p.Glu178Lys (NM_001243776.2); c.559G>A, p.Glu187Lys (NM_001243777.2); c.478G>A, p.Glu160Lys (NM_001363604.2); short protein forms E187K, E160K, E178K.
Identifiers: ClinVar variation 945925 (VCV000945925.10), dbSNP rs1862364446, ClinGen allele CA382422879.
Genomic context (GRCh38, chr11:95,817,841, plus strand): 5'-TTTCAGGTTTCCCTAGAAAGAGAACGACAACATGATCAAACACATGTTCAGAGCCAACTT[G>A]AAAAATTGGATCTTCTTGAACAGGAGTATAACAAACTTACCACAATGCAGGCCCTTGCAG-3'
Protein context (NP_055494.2, residues 177-197): HDQTHVQSQL[Glu187Lys]KLDLLEQEYN